The following is an entry in ClinVar:

NM_003872.3(NRP2):c.150C>G (p.Pro50=)

Gene: NRP2 (neuropilin 2; plus strand). Cytogenetic location: 2q33.3.
Variant type: single nucleotide variant.
Coding change: c.150C>G on transcript NM_003872.3 (MANE Select); coding-DNA position 150, C replaced by G.
Protein change: p.Pro50=; no amino-acid change (proline 50 retained).
Molecular consequence: synonymous variant.
Genome position (GRCh38, 1-based): chr2:205,697,620, C>G. VCF-style: chr2-205697620-C-G. GRCh37 (hg19) VCF-style: chr2-206562344-C-G.
Other names: c.150C>G, p.Pro50= (NM_018534.4, NM_201264.2, NM_201266.2 and 2 more transcripts).
Identifiers: ClinVar variation 3029826 (VCV003029826.2), dbSNP rs770083351, ClinGen allele CA2068700.

ClinVar aggregate classification (germline): Likely benign (0 of 4 stars; one submission).

Conditions:
NRP2-related disorder. Also called: NRP2-related condition.

Allele frequency attached by ClinVar (database versions not stated): gnomAD exomes 0.00001; ExAC 0.00002.
gnomAD v4.1: 6 of 1,614,026 alleles (0.00037%); highest among the groups gnomAD compares: Admixed American, 0.01%; no homozygotes.

Submission:

PreventionGenetics, part of Exact Sciences
Classification: Likely benign for NRP2-related condition. Last evaluated: 2021-12-23. Review status: no assertion criteria provided. Collection method: clinical testing. Allele origin: germline.
Comment: This variant is classified as likely benign based on ACMG/AMP sequence variant interpretation guidelines (Richards et al. 2015 PMID: 25741868, with internal and published modifications).